The following is an entry in ClinVar:

ClinVar aggregate classification (germline): Benign/Likely benign. Review status: criteria provided, multiple submitters, no conflicts (2 of 4 stars). 6 submissions from 6 submitters: Benign (4); Likely benign (1). 1 of the submissions does not count toward it. Last evaluated 2025-04-25.

Conditions:
Polycystic kidney disease, adult type (PKD1). Also called: Polycystic Kidney, Autosomal Dominant; Polycystic Kidney Disease 1, Autosomal Dominant; Polycystic kidney disease 1; Polycystic kidney disease 1, severe; POLYCYSTIC KIDNEY DISEASE 1 WITH OR WITHOUT POLYCYSTIC LIVER DISEASE; POLYCYSTIC KIDNEY DISEASE, ADULT, TYPE I. Identifiers: MedGen C3149841, MONDO:0008263, OMIM 173900.
Polycystic kidney disease. Also called: Polycystic kidney dysplasia; Kidney, Polycystic. Identifiers: MedGen C0022680, MeSH D007690, MONDO:0020642, HP:0000113.

Allele frequency attached by ClinVar (database versions not stated): gnomAD 0.00185; 1000 Genomes Project 0.00220; TOPMed 0.00250; 1000 Genomes Project 30x 0.00281.
gnomAD v4.1: 600 of 1,610,398 alleles (0.037%); highest among the groups gnomAD compares: African/African-American, 0.66%; 5 homozygotes.

Submissions (6):

Women's Health and Genetics/Laboratory Corporation of America, LabCorp
Classification: Likely benign. Last evaluated: 2025-04-25. Review status: criteria provided, single submitter. Criteria: LabCorp Variant Classification Summary - May 2015. Collection method: clinical testing. Allele origin: germline.

Blueprint Genetics
Classification: Benign. Last evaluated: 2024-07-15. Review status: criteria provided, single submitter. Criteria: ACMG Guidelines, 2015. Collection method: clinical testing. Allele origin: germline.

Athena Diagnostics
Classification: Benign. Last evaluated: 2020-02-07. Review status: criteria provided, single submitter. Criteria: Athena Diagnostics Criteria. Collection method: clinical testing. Allele origin: unknown.

ARUP Laboratories, Molecular Genetics and Genomics, ARUP Laboratories
Classification: Benign for Polycystic kidney disease, adult type. Last evaluated: 2018-10-01. Review status: criteria provided, single submitter. Criteria: ARUP Molecular Germline Variant Investigation Process. Collection method: clinical testing. Allele origin: germline.

PreventionGenetics, part of Exact Sciences
Classification: Benign. Review status: criteria provided, single submitter. Criteria: ACMG Guidelines, 2015. Collection method: clinical testing. Allele origin: germline.

Department of Pathology and Laboratory Medicine, Sinai Health System
Classification: Likely benign for Polycystic Kidney disease. Review status: no assertion criteria provided. Collection method: clinical testing. Allele origin: unknown. Affected: yes. Observed: 1 variant allele. Study: The Canadian Open Genetics Repository (COGR). Not counted in ClinVar's aggregate classification.
Comment: The PKD1 p.His1769= variant was identified in 2 of 550 proband chromosomes (frequency: 0.003636) from individuals or families with autosomal dominant polycystic kidney disease (ADPKD) (Rossetti 2002, Rossetti 2012). The variant was also identified in dbSNP (ID: rs575064371) â€šÃ„ÃºWith Benign allele,â€šÃ„Ã¹ ClinVar (as benign by Prevention Genetics), and ADPKD Mutation Database (2x as likely neutral). The variant was not identified in GeneInsight-COGR, LOVD 3.0, and PKD1-LOVD databases. The variant was identified in control databases in 105 of 275770 chromosomes at a frequency of 0.0004 increasing the likelihood that this may be a low frequency benign variant in certain populations of origin (Genome Aggregation Consortium Feb 27, 2017), being identified in the following populations: African in 98 of 23838 chromosomes (frequency: 0.004), Ashkenazi Jewish in 1of 10092 chromosomes (frequency: 0.0001), Latino in 3 of 34408 chromosomes (frequency: 0.00009), East Asian in 1 of 18858 chromosomes (frequency: 0.00005), and European Non-Finnish in 2 of 125618 chromosomes (frequency: 0.00002). In addition we cannot be certain that data from control databases is specific to PKD1 and not from one of the six PKD1 pseudogenes. The p.His1769= variant is not expected to have clinical significance because it does not result in a change of amino acid and is not located in a known consensus splice site. In addition, in silico or computational prediction software programs (SpliceSiteFinder, MaxEntScan, NNSPLICE, GeneSplicer, HumanSpliceFinder) do not predict a difference in splicing. In summary, based on the above information the clinical significance of this variant cannot be determined with certainty at this time although we would lean towards a more benign role for this variant. This variant is classified as likely benign.

Literature cited by the submitters: PubMed 11967008 (cited by Athena Diagnostics).

NM_001009944.3(PKD1):c.5307T>C (p.His1769=)

Gene: PKD1 (polycystin 1, transient receptor potential channel interacting; minus strand). Cytogenetic location: 16p13.3.
Variant type: single nucleotide variant.
Coding change: c.5307T>C on transcript NM_001009944.3 (MANE Select); coding-DNA position 5307, T replaced by C.
Protein change: p.His1769=; no amino-acid change (histidine 1769 retained).
Molecular consequence: synonymous variant.
Genome position (GRCh38, 1-based): chr16:2,109,860, A>G on the plus strand (T>C on the coding strand, the complement: PKD1 is on the minus strand). VCF-style: chr16-2109860-A-G. GRCh37 (hg19) VCF-style: chr16-2159861-A-G.
Other names: c.5307T>C, p.His1769= (NM_000296.4).
Identifiers: ClinVar variation 256976 (VCV000256976.15), dbSNP rs575064371, ClinGen allele CA7832038.